The following is an entry in ClinVar:

ClinVar aggregate classification (germline): Likely benign. Review status: criteria provided, multiple submitters, no conflicts (2 of 4 stars). 2 submissions from 2 submitters: Likely benign (2). Last evaluated 2024-08-21.

Conditions:
Familial cancer of breast. Also called: Hereditary breast cancer; hereditary breast carcinoma; BREAST CANCER, FAMILIAL. Identifiers: Orphanet 227535, MedGen C0346153, MONDO:0016419, OMIM 114480. Disease mechanism: loss of function.
Hereditary cancer-predisposing syndrome. Also called: Hereditary neoplastic syndrome; Tumor predisposition; Hereditary Cancer Syndrome; Neoplastic Syndromes, Hereditary. Identifiers: Orphanet 140162, MedGen C0027672, MeSH D009386, MONDO:0015356.

Submissions (2):

Myriad Genetics, Inc.
Classification: Likely benign for Familial cancer of breast. Last evaluated: 2024-08-21. Review status: criteria provided, single submitter. Criteria: Myriad Autosomal Dominant, Autosomal Recessive and X-Linked Classification Criteria (2023). Collection method: clinical testing. Allele origin: unknown.
Comment: This variant is considered likely benign. This variant is intronic and is not expected to impact mRNA splicing.

Color Diagnostics, LLC DBA Color Health
Classification: Likely benign for Hereditary cancer-predisposing syndrome. Last evaluated: 2015-09-08. Review status: criteria provided, single submitter. Criteria: ACMG Guidelines, 2015. Collection method: clinical testing. Allele origin: germline.

NM_032043.3(BRIP1):c.508-18T>C

Gene: BRIP1 (BRCA1 interacting DNA helicase 1; minus strand). Cytogenetic location: 17q23.2.
Variant type: single nucleotide variant.
Coding change: c.508-18T>C on transcript NM_032043.3 (MANE Select); 18 bases into the intron before coding-DNA position 508, T replaced by C.
Molecular consequence: intron variant.
Genome position (GRCh38, 1-based): chr17:61,847,238, A>G on the plus strand (T>C on the coding strand, the complement: BRIP1 is on the minus strand). VCF-style: chr17-61847238-A-G. GRCh37 (hg19) VCF-style: chr17-59924599-A-G.
Identifiers: ClinVar variation 491474 (VCV000491474.4), dbSNP rs1555615801, ClinGen allele CA658684171.